The following is an entry in ClinVar:

NM_201384.3(PLEC):c.12262A>G (p.Lys4088Glu)

Gene: PLEC (plectin; minus strand). Cytogenetic location: 8q24.3.
Variant type: single nucleotide variant.
Coding change: c.12262A>G on transcript NM_201384.3 (MANE Select); coding-DNA position 12262, A replaced by G.
Protein change: p.Lys4088Glu; replaces lysine 4088 with glutamic acid.
Molecular consequence: missense variant.
Genome position (GRCh38, 1-based): chr8:143,917,559, T>C on the plus strand (A>G on the coding strand, the complement: PLEC is on the minus strand). VCF-style: chr8-143917559-T-C. GRCh37 (hg19) VCF-style: chr8-144991727-T-C.
Other names: c.12262A>G, p.Lys4088Glu (NM_201382.4); c.12274A>G, p.Lys4092Glu (NM_201383.3); c.12343A>G, p.Lys4115Glu (NM_000445.5); c.8962A>G, p.Lys2988Glu (NM_001410941.1); c.12220A>G, p.Lys4074Glu (NM_201378.4); c.12196A>G, p.Lys4066Glu (NM_201379.3); c.12673A>G, p.Lys4225Glu (NM_201380.4); c.12166A>G, p.Lys4056Glu (NM_201381.3); short protein forms K4056E, K4092E, K2988E, K4066E, K4074E, K4088E, K4115E, K4225E.
Identifiers: ClinVar variation 4788344 (VCV004788344.1).
Genomic context (GRCh38, chr8:143,917,559, plus strand): 5'-AACGCTCCATCAGCTGCAGGTAGGTGAGGTTCTCCTCCGTGTTAGGGTCAAAGAAGCCCT[T>C]GGTGTCGTCCGAGGGGTCGGTCAGGATCTCGTTCATCTCCTCATCGAAGAGGCCGCGCTT-3'
Protein context (NP_958786.1, residues 4078-4098): EILTDPSDDT[Lys4088Glu]GFFDPNTEEN

ClinVar aggregate classification (germline): Uncertain significance (1 of 4 stars; one submission).

Conditions:
Epidermolysis bullosa simplex with nail dystrophy (EBS5D). Identifiers: MedGen C4225309, MONDO:0014661, OMIM 616487.
Epidermolysis bullosa simplex, Ogna type (EBS5A). Also called: EPIDERMOLYSIS BULLOSA SIMPLEX 5A, OGNA TYPE; Pidermolysis bullosa simplex 5A, Ogna type. Identifiers: Orphanet 79401, MedGen C0432317, MONDO:0007555, OMIM 131950.
Autosomal recessive limb-girdle muscular dystrophy type 2Q (LGMDR17). Also called: MUSCULAR DYSTROPHY, LIMB-GIRDLE, AUTOSOMAL RECESSIVE 17. Identifiers: Orphanet 254361, MedGen C3150989, MONDO:0013390, OMIM 613723.
Epidermolysis bullosa simplex 5B, with muscular dystrophy (EBS5B). Also called: EPIDERMOLYSIS BULLOSA SIMPLEX AND LIMB-GIRDLE MUSCULAR DYSTROPHY; Epidermolysis bullosa simplex with muscular dystrophy. Identifiers: Orphanet 257, MedGen C2931072, MONDO:0009181, OMIM 226670.
Epidermolysis bullosa simplex 5C, with pyloric atresia (EBS5C). Also called: PLEC-Related Epidermolysis Bullosa with Pyloric Atresia; Epidermolysis bullosa simplex with pyloric atresia; PLEC1-Related Epidermolysis Bullosa with Pyloric Atresia. Identifiers: Orphanet 158684, MedGen C2677349, MONDO:0012807, OMIM 612138.

gnomAD v4.1: 2 of 1,613,878 alleles (0.00012%); highest among the groups gnomAD compares: Admixed American, 0.0033%; no homozygotes.

Submission:

Labcorp Genetics (formerly Invitae), Labcorp
Classification: Uncertain significance for Autosomal recessive limb-girdle muscular dystrophy type 2Q; Epidermolysis bullosa simplex, Ogna type; Epidermolysis bullosa simplex with nail dystrophy; Epidermolysis bullosa simplex 5C, with pyloric atresia; Epidermolysis bullosa simplex 5B, with muscular dystrophy. Last evaluated: 2025-02-10. Review status: criteria provided, single submitter. Criteria: Invitae Variant Classification Sherloc (09022015). Collection method: clinical testing. Allele origin: germline.
Comment: This sequence change replaces lysine, which is basic and polar, with glutamic acid, which is acidic and polar, at codon 4115 of the PLEC protein (p.Lys4115Glu). This variant is present in population databases (rs782418310, gnomAD 0.009%). This variant has not been reported in the literature in individuals affected with PLEC-related conditions. Invitae Evidence Modeling of protein sequence and biophysical properties (such as structural, functional, and spatial information, amino acid conservation, physicochemical variation, residue mobility, and thermodynamic stability) indicates that this missense variant is not expected to disrupt PLEC protein function with a negative predictive value of 80%. In summary, the available evidence is currently insufficient to determine the role of this variant in disease. Therefore, it has been classified as a Variant of Uncertain Significance.